The following is an entry in ClinVar:

ClinVar aggregate classification (germline): Uncertain significance (1 of 4 stars; one submission).

Conditions:
Nemaline myopathy 2 (NEM2). Also called: Nemaline myopathy 2, autosomal recessive. Identifiers: MedGen C1850569, MONDO:0009725, OMIM 256030.

Submission:

Labcorp Genetics (formerly Invitae), Labcorp
Classification: Uncertain significance for Nemaline myopathy 2. Last evaluated: 2021-06-27. Review status: criteria provided, single submitter. Criteria: Invitae Variant Classification Sherloc (09022015). Collection method: clinical testing. Allele origin: germline.
Comment: This sequence change replaces isoleucine with phenylalanine at codon 3552 of the NEB protein (p.Ile3552Phe). The isoleucine residue is moderately conserved and there is a small physicochemical difference between isoleucine and phenylalanine. This variant is not present in population databases (ExAC no frequency). This variant has not been reported in the literature in individuals with NEB-related conditions. Algorithms developed to predict the effect of missense changes on protein structure and function are either unavailable or do not agree on the potential impact of this missense change (SIFT: "Deleterious"; PolyPhen-2: "Not Available"; Align-GVGD: "Class C0"). In summary, the available evidence is currently insufficient to determine the role of this variant in disease. Therefore, it has been classified as a Variant of Uncertain Significance.

NM_001164508.2(NEB):c.10654A>T (p.Ile3552Phe)

Gene: NEB (nebulin; minus strand). Cytogenetic location: 2q23.3.
Variant type: single nucleotide variant.
Coding change: c.10654A>T on transcript NM_001164508.2 (MANE Select); coding-DNA position 10654, A replaced by T.
Protein change: p.Ile3552Phe; replaces isoleucine 3552 with phenylalanine.
Molecular consequence: missense variant.
Genome position (GRCh38, 1-based): chr2:151,619,669, T>A on the plus strand (A>T on the coding strand, the complement: NEB is on the minus strand). VCF-style: chr2-151619669-T-A. GRCh37 (hg19) VCF-style: chr2-152476183-T-A.
Other names: c.10654A>T, p.Ile3552Phe (NM_001164507.2, NM_001271208.2); c.9925A>T, p.Ile3309Phe (NM_004543.5); short protein forms I3309F, I3552F.
Identifiers: ClinVar variation 1957474 (VCV001957474.2), dbSNP rs939034415, ClinGen allele CA348788494.
Genomic context (GRCh38, chr2:151,619,669, plus strand): 5'-ACCTTGTCTTGTATTTCTCAAAATCTTTCTTGTACTCACGGTCACTCTGCACTTTGGCAA[T>A]GTGGAGGGACCACATTATCTTGGGGTCATCGTGTACTGCTCGGGCGCCAATGTGGTGACC-3'
Protein context (NP_001157980.2, residues 3542-3562): DDPKIMWSLH[Ile3552Phe]AKVQSDREYK